The following is an entry in ClinVar:

NM_024596.5(MCPH1):c.1561G>T (p.Glu521Ter)

Gene: MCPH1 (microcephalin 1; plus strand). Cytogenetic location: 8p23.1.
Variant type: single nucleotide variant.
Coding change: c.1561G>T on transcript NM_024596.5 (MANE Select); coding-DNA position 1561, G replaced by T.
Protein change: p.Glu521Ter; replaces glutamic acid 521 with a stop codon.
Molecular consequence: nonsense. On other transcripts: non-coding transcript variant (1).
Genome position (GRCh38, 1-based): chr8:6,445,283, G>T. VCF-style: chr8-6445283-G-T. GRCh37 (hg19) VCF-style: chr8-6302804-G-T.
Other names: c.1561G>T, p.Glu521Ter (NM_001172574.2, NM_001322042.2, NM_001363979.1 and 1 more transcripts); c.1417G>T, p.Glu473Ter (NM_001172575.2); c.1555G>T, p.Glu519Ter (NM_001322043.2); c.1459G>T, p.Glu487Ter (NM_001322045.2); short protein forms E521*, E519*, E473*, E487*.
Identifiers: ClinVar variation 267732 (VCV000267732.22), dbSNP rs572671721, ClinGen allele CA4610588.

ClinVar aggregate classification (germline): Conflicting classifications of pathogenicity. Review status: criteria provided, conflicting classifications (1 of 4 stars). 8 submissions from 8 submitters: Uncertain significance (5); Likely benign (2). 1 of the submissions does not count toward it. Last evaluated 2026-01-24.

Conditions:
Microcephaly 1, primary, autosomal recessive (MCPH1). Also called: PREMATURE CHROMOSOME CONDENSATION SYNDROME; PCC SYNDROME; PREMATURE CHROMOSOME CONDENSATION WITH MICROCEPHALY AND MENTAL RETARDATION. Identifiers: Orphanet 2512, MedGen C1855081, MONDO:0009617, OMIM 251200.

Allele frequency attached by ClinVar (database versions not stated): gnomAD below 0.00001 and 0.00011; TOPMed 0.00001; 1000 Genomes Project 30x 0.00031; 1000 Genomes Project 0.00040; ExAC 0.00045.

Submissions (8):

Labcorp Genetics (formerly Invitae), Labcorp
Classification: Likely benign. Last evaluated: 2026-01-24. Review status: criteria provided, single submitter. Criteria: Invitae Variant Classification Sherloc (09022015). Collection method: clinical testing. Allele origin: germline.

Women's Health and Genetics/Laboratory Corporation of America, LabCorp
Classification: Uncertain significance. Last evaluated: 2025-11-04. Review status: criteria provided, single submitter. Criteria: LabCorp Variant Classification Summary - May 2015. Collection method: clinical testing. Allele origin: germline.
Comment: Variant summary: MCPH1 c.1561G>T (p.Glu521X) results in a premature termination codon, predicted to cause a truncation of the encoded protein or absence of the protein due to nonsense mediated decay, which are commonly known mechanisms for disease. The variant allele was found at a frequency of 0.00022 in 1614214 control chromosomes, predominantly at a frequency of 0.0036 within the South Asian subpopulation in the gnomAD v4 database, including 6 homozygotes. The observed variant frequency within South Asian control individuals in the gnomAD database exceeds the estimated maximal expected allele frequency for disease-causing variants in MCPH1. Further, the early onset and severe nature of MCPH1-related conditions is not consistent with the presence of unaffected homozygous controls. c.1561G>T has been observed as a heterozygous variant in an individual with microglossia, micrognathia, severe mandibular hypoplasia, severely reduced done density, single kidney, and ventricular septal defects (Salfati_2019). This report does not provide unequivocal conclusions about association of the variant with Primary microcephaly. To our knowledge, no experimental evidence demonstrating an impact on protein function has been reported. The following publication has been ascertained in the context of this evaluation (PMID: 31847883). ClinVar contains an entry for this variant (Variation ID: 267732). Based on the evidence outlined above, the variant was classified as uncertain significance.

Fulgent Genetics
Classification: Uncertain significance for Microcephaly 1, primary, autosomal recessive. Last evaluated: 2024-01-15. Review status: criteria provided, single submitter. Criteria: ACMG Guidelines, 2015. Collection method: clinical testing. Allele origin: germline.

Victorian Clinical Genetics Services, Murdoch Childrens Research Institute
Classification: Uncertain significance for Microcephaly 1, primary, autosomal recessive. Last evaluated: 2022-03-31. Review status: criteria provided, single submitter. Criteria: ACMG Guidelines, 2015. Collection method: clinical testing. Allele origin: germline. Inheritance: Autosomal recessive inheritance. Affected: yes.
Comment: Based on the classification scheme VCGS_Germline_v1.3.4, this variant is classified as VUS-3A. Following criteria are met: 0102 - Loss of function is a known mechanism of disease in this gene and is associated with primary microcephaly 1 (MIM#251200). (I) 0106 - This gene is associated with autosomal recessive disease. (I) 0201 - Variant is predicted to cause nonsense-mediated decay (NMD) and loss of protein (premature termination codon is located at least 54 nucleotides upstream of the final exon-exon junction). (SP) 0219 - This variant is non-coding in an alternative transcript. In four out of eight known transcripts, this variant is expected to result in a truncated protein instead of NMD (UCSC). (I) 0251 - This variant is heterozygous. (I) 0308 - Population frequency for this variant is out of keeping with known incidence of autosomal recessive primary microcephaly 1 (MIM#251200). In gnomAD v2, 1 homozygote was reported. (SB) 0701 - Other NMD-predicted variants comparable to the one identified in this case have very strong previous evidence for pathogenicity (ClinVar, DEICPHER). (SP) 0808 - Previous reports of pathogenicity for this variant are conflicting. (I) 0905 - No published segregation evidence has been identified for this variant. (I) 1007 - No published functional evidence has been identified for this variant. (I) 1208 - Inheritance information for this variant is not currently available in this individual. (I) Legend: (SP) - Supporting pathogenic, (I) - Information, (SB) - Supporting benign

Revvity Omics, Revvity
Classification: Uncertain significance for Microcephaly 1, primary, autosomal recessive. Last evaluated: 2021-11-23. Review status: criteria provided, single submitter. Criteria: ACMG Guidelines, 2015. Collection method: clinical testing. Allele origin: germline.

GeneDx
Classification: Likely benign. Last evaluated: 2020-12-03. Review status: criteria provided, single submitter. Criteria: GeneDx Variant Classification Process June 2021. Collection method: clinical testing. Allele origin: germline. Affected: yes.

Eurofins Ntd Llc (ga)
Classification: Uncertain significance. Last evaluated: 2017-06-29. Review status: criteria provided, single submitter. Criteria: EGL Classification Definitions 2015. Collection method: clinical testing. Allele origin: germline. Observed: 3 variant alleles, 3 heterozygotes.

Hehr Laboratory, Center for Human Genetics Regensburg
Classification: Likely pathogenic for Microcephaly 1, primary, autosomal recessive. Last evaluated: 2016-08-12. Review status: no assertion criteria provided. Collection method: clinical testing. Allele origin: unknown. Not counted in ClinVar's aggregate classification.

Literature cited by the submitters: PubMed 31847883 (cited by Women's Health and Genetics/Laboratory Corporation of America, LabCorp); PubMed 23281133 (cited by Victorian Clinical Genetics Services, Murdoch Childrens Research Institute).